The following is an entry in ClinVar:

NM_000498.3(CYP11B2):c.1398+2T>G

Genes: CYP11B2 (cytochrome P450 family 11 subfamily B member 2; minus strand), LOC106799834 (CYP11B2 recombination region; plus strand). Cytogenetic location: 8q24.3.
Variant type: single nucleotide variant.
Coding change: c.1398+2T>G on transcript NM_000498.3 (MANE Select); the canonical splice donor site of the intron after coding-DNA position 1398, T replaced by G.
Molecular consequence: splice donor variant.
Genome position (GRCh38, 1-based): chr8:142,912,528, A>C on the plus strand (T>G on the coding strand, the complement: CYP11B2 is on the minus strand). VCF-style: chr8-142912528-A-C. GRCh37 (hg19) VCF-style: chr8-143993944-A-C.
Identifiers: ClinVar variation 845894 (VCV000845894.11), dbSNP rs765927456, ClinGen allele CA4905823.
Genomic context (GRCh38, chr8:142,912,528, plus strand): 5'-CCCCAGTGTGCAGGTCCCGCCTCTGCTGCCCAGGTCCCGCCCCCGCCCCCAGGCCTGCTT[A>C]CGTGGTGCAGCAGCAGCAGCATCTCTGCCTCTGCCAGGCGCCGCCCGAGGCACTGGCGCA-3'

ClinVar aggregate classification (germline): Pathogenic. Review status: criteria provided, multiple submitters, no conflicts (2 of 4 stars). 2 submissions from 2 submitters: Pathogenic (2). Last evaluated 2025-11-21.

Conditions:
Corticosterone methyl oxidase type II deficiency.

Allele frequency attached by ClinVar (database versions not stated): gnomAD exomes 0.00001; ExAC 0.00002; gnomAD 0.00003.

Submissions (2):

Natera, Inc.
Classification: Pathogenic for Corticosterone methyl oxidase type II deficiency. Last evaluated: 2025-11-21. Review status: criteria provided, single submitter. Criteria: Natera Variant Classification Schema (03/2026). Collection method: clinical testing. Allele origin: germline.
Comment: The c.1398+2T>G variant in CYP11B2 is a canonical splice donor site variant predicted to affect pre-mRNA splicing, which may result in an abnormal transcript and altered protein product. This variant is expected to result in nonsense mediated decay, truncation, or a dysfunctional protein product. This variant is rare in the general population with a frequency below the threshold expected for the associated phenotype(s). Another variant at this same site results in an alteration predicted to cause a similar molecular effect has been observed in individual(s) with the associated phenotype. Given the available evidence, this variant is classified as Pathogenic.

Labcorp Genetics (formerly Invitae), Labcorp
Classification: Pathogenic. Last evaluated: 2023-07-25. Review status: criteria provided, single submitter. Criteria: Invitae Variant Classification Sherloc (09022015). Collection method: clinical testing. Allele origin: germline.
Comment: This sequence change affects a donor splice site in intron 8 of the CYP11B2 gene. While this variant is not anticipated to result in nonsense mediated decay, it likely alters RNA splicing and results in a disrupted protein product. This variant is present in population databases (rs765927456, gnomAD 0.01%). Disruption of this splice site has been observed in individuals with aldosterone synthase deficiency (PMID: 25968592, 29201470). ClinVar contains an entry for this variant (Variation ID: 845894). Variants that disrupt the consensus splice site are a relatively common cause of aberrant splicing (PMID: 17576681, 9536098). Algorithms developed to predict the effect of sequence changes on RNA splicing suggest that this variant may disrupt the consensus splice site. This variant disrupts the p.Thr498 amino acid residue in CYP11B2. Other variant(s) that disrupt this residue have been determined to be pathogenic (PMID: 12788848, 21237269). This suggests that this residue is clinically significant, and that variants that disrupt this residue are likely to be disease-causing. For these reasons, this variant has been classified as Pathogenic.

Literature cited by the submitters: PubMed 25968592 (cited by Labcorp Genetics (formerly Invitae), Labcorp); PubMed 29201470 (cited by Labcorp Genetics (formerly Invitae), Labcorp); PubMed 17576681 (cited by Labcorp Genetics (formerly Invitae), Labcorp); PubMed 9536098 (cited by Labcorp Genetics (formerly Invitae), Labcorp); PubMed 12788848 (cited by Labcorp Genetics (formerly Invitae), Labcorp); PubMed 21237269 (cited by Labcorp Genetics (formerly Invitae), Labcorp).